The following is an entry in ClinVar:

ClinVar aggregate classification (germline): Likely benign (0 of 4 stars; one submission).

Conditions:
SEMA3G-related disorder. Also called: SEMA3G-related condition.

Submission:

PreventionGenetics, part of Exact Sciences
Classification: Likely benign for SEMA3G-related condition. Last evaluated: 2021-06-16. Review status: no assertion criteria provided. Collection method: clinical testing. Allele origin: germline.
Comment: This variant is classified as likely benign based on ACMG/AMP sequence variant interpretation guidelines (Richards et al. 2015 PMID: 25741868, with internal and published modifications).

NM_020163.3(SEMA3G):c.668-24_668-9del

Gene: SEMA3G (semaphorin 3G; minus strand). Cytogenetic location: 3p21.1.
Variant type: Deletion.
Coding change: c.668-24_668-9del on transcript NM_020163.3 (MANE Select); 24 bases into the intron before coding-DNA position 668 through 9 bases into the intron before coding-DNA position 668, 16 bases deleted (AGCATGACCCTGTCAC).
Molecular consequence: intron variant.
Genome position (GRCh38, 1-based): chr3:52,441,418-52,441,433, GTGACAGGGTCATGCT deleted on the plus strand (AGCATGACCCTGTCAC on the coding strand, the reverse complement: SEMA3G is on the minus strand); deleting any 16 consecutive bases within chr3:52,441,418-52,441,434 gives the same sequence; the c. name uses the placement nearest the transcript's 3' end. VCF-style (leftmost placement, unchanged base first): chr3-52441417-GGTGACAGGGTCATGCT-G. GRCh37 (hg19) VCF-style: chr3-52475433-GGTGACAGGGTCATGCT-G.
Identifiers: ClinVar variation 3040065 (VCV003040065.2), dbSNP rs772800789, ClinGen allele CA2438243.
Genomic context (GRCh38, chr3:52,441,417, plus strand): 5'-ATTGTCCTGGTCAGAGTTCTCAGGGATCCGGGCGGCCATCACAAACCGGGGGTCTGGAAG[GGTGACAGGGTCATGCT>G]GGGTGGAGGGGCCCCACAGGGGAGGATGGGAGTAGAACCCAGTGGGGAGAGGAATGGGGC-3'